The following continues an entry in ClinVar:

NM_000404.4(GLB1):c.601C>T (p.Arg201Cys)

Gene: GLB1. ClinVar aggregate classification (germline): Pathogenic/Likely pathogenic. Pathogenic (10); Likely pathogenic (1).

Submissions 10 to 19 of 19:

Dr. Faghihi's Medical Genetic Center
Classification: Pathogenic for GM1 gangliosidosis type 2. Last evaluated: 2017-01-20. Review status: criteria provided, single submitter. Criteria: Submitter's publication. Collection method: research. Allele origin: not applicable. Inheritance: Autosomal recessive inheritance.
Comment: Four cases affected by GM1 gangliosidosis type II from three consanguineous families showed a homozygote missense mutation in GLB1 gene (c. 601 G> A, p.R201C). Two magnetic resonance imaging (MRI) (in the third and fourth) assessments revealed minor signal changes in the periventricular white matter without any progression (Figure 1a and 1b). Ophthalmologic study did not show any pathologic signs and all metabolic studies were reported in normal range. Electroencephalography (EEG), Visual Evoked Potential (VEP) and Electroretinography (ERG) were normal.. Family II, Patient II & III: The family had two affected individuals who were referred to the Pediatric Neurology Department in the Mofid Children Hospital, Tehran, Iran due to neurodevelopmental regression. All metabolic studies and routine laboratory data were in normal ranges. MRI study showed mild cerebellar atrophy with mild signal changes in the periventricular white matter (Figure 2).

HudsonAlpha Institute for Biotechnology
Classification: Pathogenic for GM1 gangliosidosis type 2. Last evaluated: 2016-07-14. Review status: criteria provided, single submitter. Criteria: HA_assertions_20161101. Collection method: research. Allele origin: maternal. Affected: yes. Observed: 1 variant allele. Study: CSER-HudsonAlpha.

PreventionGenetics, part of Exact Sciences
Classification: Pathogenic for GLB1-related condition. Last evaluated: 2024-06-11. Review status: no assertion criteria provided. Collection method: clinical testing. Allele origin: germline. Not counted in ClinVar's aggregate classification.
Comment: The GLB1 c.601C>T variant is predicted to result in the amino acid substitution p.Arg201Cys. This variant was reported to be causative for GM1 Gangliosidosis (Yoshida et. al. 1991. PubMed ID: 1907800; Karimzadeh et al. 2017. PubMed ID: 28716012). Pathogenic variants in GLB1 have been associated with autosomal recessive GM1-gangliosidosis, type I (OMIM #230500), autosomal recessive GM1-gangliosidosis, type II (OMIM #230600), autosomal recessive GM1-gangliosidosis, type III (OMIM #230650), and autosomal recessive Mucopolysaccharidosis type IVB, Morquio (OMIM #253010). This variant is reported in 0.0089% of alleles in individuals of European (Non-Finnish) descent in gnomAD. This variant is interpreted as pathogenic.

Counsyl
Classification: Pathogenic for Infantile GM1 gangliosidosis. Last evaluated: 2016-10-30. Review status: no assertion criteria provided. Collection method: clinical testing. Allele origin: unknown. Not counted in ClinVar's aggregate classification.

Counsyl
Classification: Pathogenic for GM1 gangliosidosis type 2. Last evaluated: 2016-10-30. Review status: no assertion criteria provided. Collection method: clinical testing. Allele origin: unknown. Not counted in ClinVar's aggregate classification.

Counsyl
Classification: Pathogenic for GM1 gangliosidosis type 3. Last evaluated: 2016-10-30. Review status: no assertion criteria provided. Collection method: clinical testing. Allele origin: unknown. Not counted in ClinVar's aggregate classification.

Counsyl
Classification: Pathogenic for Mucopolysaccharidosis, MPS-IV-B. Last evaluated: 2016-10-30. Review status: no assertion criteria provided. Collection method: clinical testing. Allele origin: unknown. Not counted in ClinVar's aggregate classification.

OMIM
Classification: Pathogenic for GM1-GANGLIOSIDOSIS, TYPE II. Last evaluated: 2003-07-01. Review status: no assertion criteria provided. Collection method: literature only. Allele origin: germline. Not counted in ClinVar's aggregate classification.

Clinical Genetics DNA and cytogenetics Diagnostics Lab, Erasmus MC, Erasmus Medical Center
Classification: Pathogenic. Review status: no assertion criteria provided. Collection method: clinical testing. Allele origin: germline. Affected: yes. Study: VKGL Data-share Consensus. Not counted in ClinVar's aggregate classification.

Joint Genome Diagnostic Labs from Nijmegen and Maastricht, Radboudumc and MUMC+
Classification: Pathogenic. Review status: no assertion criteria provided. Collection method: clinical testing. Allele origin: germline. Affected: yes. Study: VKGL Data-share Consensus. Not counted in ClinVar's aggregate classification.

Literature cited by the submitters: PubMed 25443580 (cited by 4 submitters); PubMed 31367523 (cited by Natera, Inc.); PubMed 1907800 (cited by 4 submitters); PubMed 28554332 (cited by Labcorp Genetics (formerly Invitae), Labcorp); PubMed 28716012 (cited by Labcorp Genetics (formerly Invitae), Labcorp); PubMed 29439846 (cited by Labcorp Genetics (formerly Invitae), Labcorp); PubMed 16617000 (cited by Labcorp Genetics (formerly Invitae), Labcorp); PubMed 9203065 (cited by Labcorp Genetics (formerly Invitae), Labcorp); PubMed 11511921 (cited by Labcorp Genetics (formerly Invitae), Labcorp); PubMed 17309651 (cited by Labcorp Genetics (formerly Invitae), Labcorp); PubMed 20175788 (cited by Labcorp Genetics (formerly Invitae), Labcorp); PubMed 23430499 (cited by Labcorp Genetics (formerly Invitae), Labcorp); PubMed 1909089 (cited by Illumina Laboratory Services, Illumina); PubMed 12644936 (cited by Illumina Laboratory Services, Illumina and OMIM); PubMed 16626397 (cited by Counsyl); PubMed 19472408 (cited by Counsyl); PubMed 25600812 (cited by Counsyl); PubMed 8068159 (cited by Counsyl); PubMed 25557439 (cited by Counsyl); PubMed 8112731 (cited by Counsyl); PubMed 26646981 (cited by Counsyl); PubMed 21520340 (cited by Counsyl); Nishimoto, J., Nanba, E., Inui, K., Okada, S., Suzuki, K. GM1-gangliosidosis (genetic beta-galactosidase deficiency): identification of four mutations in different clinical phenotypes among Japanese patients. Am. J. Hum. Genet. 49: 566-574, 1991. (cited by OMIM).